The following is an entry in ClinVar:

ClinVar aggregate classification (germline): Uncertain significance (1 of 4 stars; one submission).

Submission:

GeneDx
Classification: Uncertain significance. Last evaluated: 2024-10-17. Review status: criteria provided, single submitter. Criteria: GeneDx Variant Classification Process June 2021. Collection method: clinical testing. Allele origin: germline. Affected: yes.
Comment: Not observed at significant frequency in large population cohorts (gnomAD); In silico analysis supports that this missense variant has a deleterious effect on protein structure/function; Has not been previously published as pathogenic or benign to our knowledge; This variant is associated with the following publications: (PMID: 18466115)

NM_000548.5(TSC2):c.5041A>C (p.Asn1681His)

Gene: TSC2 (TSC complex subunit 2; plus strand). Cytogenetic location: 16p13.3.
Variant type: single nucleotide variant.
Coding change: c.5041A>C on transcript NM_000548.5 (MANE Select); coding-DNA position 5041, A replaced by C.
Protein change: p.Asn1681His; replaces asparagine 1681 with histidine.
Molecular consequence: missense variant. On other transcripts: non-coding transcript variant (5).
Genome position (GRCh38, 1-based): chr16:2,087,914, A>C. VCF-style: chr16-2087914-A-C. GRCh37 (hg19) VCF-style: chr16-2137915-A-C.
Other names: c.4840A>C, p.Asn1614His (NM_001077183.3); c.4972A>C, p.Asn1658His (NM_001114382.3); c.4732A>C, p.Asn1578His (NM_001318827.2); c.4696A>C, p.Asn1566His (NM_001318829.2); c.4309A>C, p.Asn1437His (NM_001318831.2); c.4873A>C, p.Asn1625His (NM_001318832.2); c.4843A>C, p.Asn1615His (NM_001363528.2); c.4909A>C, p.Asn1637His (NM_001370404.1); and 26 more; short protein forms N1080H, N1166H, N1414H, N1608H, N1609H, N1637H, N1657H, N1658H.
Identifiers: ClinVar variation 3781139 (VCV003781139.1).
Genomic context (GRCh38, chr16:2,087,914, plus strand): 5'-TCCGGGCAGGGCCAGTTCAACTTTGTCCACGTGATCGTCACCCCGCTGGACTACGAGTGC[A>C]ACCTGGTGTCCCTGCAGTGCAGGAAAGGTAGGGCCGGGTGGGGCCCTGCAGTGCAGGAAA-3'
Protein context (NP_000539.2, residues 1671-1691): VIVTPLDYEC[Asn1681His]LVSLQCRKDM